The following is an entry in ClinVar:

ClinVar aggregate classification (germline): Uncertain significance. Review status: criteria provided, multiple submitters, no conflicts (2 of 4 stars). 3 submissions from 2 submitters: Uncertain significance (3). Last evaluated 2023-09-06.

Conditions:
Hereditary cancer-predisposing syndrome. Also called: Neoplastic Syndromes, Hereditary; Hereditary Cancer Syndrome; Hereditary neoplastic syndrome; Tumor predisposition. Identifiers: Orphanet 140162, MedGen C0027672, MeSH D009386, MONDO:0015356.
Cardiovascular phenotype. Identifiers: MedGen CN230736.
Neurofibromatosis, type 1 (NF1). Also called: VON RECKLINGHAUSEN DISEASE; Neurofibromatosis, type I; NEUROFIBROMATOSIS, TYPE I, SOMATIC; Peripheral type neurofibromatosis. Identifiers: Orphanet 636, MedGen C0027831, MONDO:0018975, OMIM 162200. Disease mechanism: loss of function.

Submissions (3):

Labcorp Genetics (formerly Invitae), Labcorp
Classification: Uncertain significance for Neurofibromatosis, type 1. Last evaluated: 2023-09-06. Review status: criteria provided, single submitter. Criteria: Invitae Variant Classification Sherloc (09022015). Collection method: clinical testing. Allele origin: germline.
Comment: Advanced modeling of protein sequence and biophysical properties (such as structural, functional, and spatial information, amino acid conservation, physicochemical variation, residue mobility, and thermodynamic stability) performed at Invitae indicates that this missense variant is expected to disrupt NF1 protein function. ClinVar contains an entry for this variant (Variation ID: 141386). This variant has not been reported in the literature in individuals affected with NF1-related conditions. This variant is not present in population databases (gnomAD no frequency). This sequence change replaces asparagine, which is neutral and polar, with threonine, which is neutral and polar, at codon 222 of the NF1 protein (p.Asn222Thr). In summary, the available evidence is currently insufficient to determine the role of this variant in disease. Therefore, it has been classified as a Variant of Uncertain Significance.

Ambry Genetics
Classification: Uncertain significance for Cardiovascular phenotype; Hereditary cancer-predisposing syndrome. Last evaluated: 2021-12-01. Review status: criteria provided, single submitter. Criteria: Ambry Variant Classification Scheme 2023. Collection method: clinical testing. Allele origin: germline.

Ambry Genetics
Classification: Uncertain significance for Hereditary cancer-predisposing syndrome. Last evaluated: 2014-03-20. Review status: criteria provided, single submitter. Criteria: Ambry Autosomal Dominant and X-Linked criteria (10/2015). Collection method: clinical testing. Allele origin: germline. Observed: 1 variant allele.
Comment: The p.N222T variant (also known as c.665A>C), located in coding exon 7 of the NF1 gene, results from an A to C substitution at nucleotide position 665. The asparagine at codon 222 is replaced by threonine, an amino acid with similar properties. This variant was not reported in population based cohorts in the following databases: Database of Single Nucleotide Polymorphisms (dbSNP), NHLBI Exome Sequencing Project (ESP), and 1000 Genomes Project.To date, this alteration has been detected with an allele frequency of approximately 0.02% (greater than 5,000 alleles tested) in our clinical cohort (includes this individual). Based on protein sequence alignment, this amino acid position is highly conserved in available vertebrate species. In addition, the in silico prediction for this alteration is inconclusive. Since supporting evidence is limited at this time, the clinical significance of p.N222T remains unclear.

NM_001042492.3(NF1):c.665A>C (p.Asn222Thr)

Gene: NF1 (neurofibromin 1; plus strand). Cytogenetic location: 17q11.2.
Variant type: single nucleotide variant.
Coding change: c.665A>C on transcript NM_001042492.3 (MANE Select); coding-DNA position 665, A replaced by C.
Protein change: p.Asn222Thr; replaces asparagine 222 with threonine.
Molecular consequence: missense variant.
Genome position (GRCh38, 1-based): chr17:31,181,720, A>C. VCF-style: chr17-31181720-A-C. GRCh37 (hg19) VCF-style: chr17-29508738-A-C.
Other names: c.665A>C, p.Asn222Thr (NM_000267.4, NM_001128147.3); short protein forms N222T.
Identifiers: ClinVar variation 141386 (VCV000141386.9), dbSNP rs587781709, ClinGen allele CA165285.